The following is an entry in ClinVar:

NM_000222.3(KIT):c.977A>G (p.Asn326Ser)

Gene: KIT (KIT proto-oncogene, receptor tyrosine kinase; plus strand). Cytogenetic location: 4q12.
Variant type: single nucleotide variant.
Coding change: c.977A>G on transcript NM_000222.3 (MANE Select); coding-DNA position 977, A replaced by G.
Protein change: p.Asn326Ser; replaces asparagine 326 with serine.
Molecular consequence: missense variant.
Genome position (GRCh38, 1-based): chr4:54,707,149, A>G. VCF-style: chr4-54707149-A-G. GRCh37 (hg19) VCF-style: chr4-55573315-A-G.
Other names: c.977A>G, p.Asn326Ser (NM_001093772.2, NM_001385285.1, NM_001385286.1); c.980A>G, p.Asn327Ser (NM_001385284.1, NM_001385288.1, NM_001385290.1 and 1 more transcripts); c.977A>G (NM_000222.2); short protein forms N326S, N327S.
Identifiers: ClinVar variation 1497054 (VCV001497054.7), dbSNP rs2109705178, ClinGen allele CA356900873.

ClinVar aggregate classification (germline): Uncertain significance. Review status: criteria provided, multiple submitters, no conflicts (2 of 4 stars). 2 submissions from 2 submitters: Uncertain significance (2). Last evaluated 2023-09-19.

Conditions:
Hereditary cancer-predisposing syndrome. Also called: Hereditary neoplastic syndrome; Tumor predisposition; Hereditary Cancer Syndrome; Neoplastic Syndromes, Hereditary. Identifiers: Orphanet 140162, MedGen C0027672, MeSH D009386, MONDO:0015356.
Gastrointestinal stromal tumor. Also called: Gastrointestinal stroma tumor; Gastrointestinal stromal tumor, somatic. Identifiers: Orphanet 44890, MedGen C0238198, MeSH D046152, MONDO:0011719, OMIM 606764, HP:0100723.

Allele frequency attached by ClinVar (database versions not stated): gnomAD 0.00001.
gnomAD v4.1: 1 of 1,581,898 alleles (0.000063%); highest among the groups gnomAD compares: East Asian, 0.0022%; no homozygotes.

Submissions (2):

Ambry Genetics
Classification: Uncertain significance for Hereditary cancer-predisposing syndrome. Last evaluated: 2023-09-19. Review status: criteria provided, single submitter. Criteria: Ambry Variant Classification Scheme 2023. Collection method: clinical testing. Allele origin: germline.
Comment: The p.N326S variant (also known as c.977A>G), located in coding exon 6 of the KIT gene, results from an A to G substitution at nucleotide position 977. The asparagine at codon 326 is replaced by serine, an amino acid with highly similar properties. This amino acid position is conserved. In addition, this alteration is predicted to be tolerated by in silico analysis. Since supporting evidence is limited at this time, the clinical significance of this alteration remains unclear.

Labcorp Genetics (formerly Invitae), Labcorp
Classification: Uncertain significance for Gastrointestinal stromal tumor. Last evaluated: 2023-04-28. Review status: criteria provided, single submitter. Criteria: Invitae Variant Classification Sherloc (09022015). Collection method: clinical testing. Allele origin: germline.
Comment: This sequence change replaces asparagine, which is neutral and polar, with serine, which is neutral and polar, at codon 326 of the KIT protein (p.Asn326Ser). This variant is not present in population databases (gnomAD no frequency). This variant has not been reported in the literature in individuals affected with KIT-related conditions. ClinVar contains an entry for this variant (Variation ID: 1497054). An algorithm developed to predict the effect of missense changes on protein structure and function (PolyPhen-2) suggests that this variant is likely to be tolerated. In summary, the available evidence is currently insufficient to determine the role of this variant in disease. Therefore, it has been classified as a Variant of Uncertain Significance.